The following is an entry in ClinVar:

NM_000878.5(IL2RB):c.688A>G (p.Arg230Gly)

Gene: IL2RB (interleukin 2 receptor subunit beta; minus strand). Cytogenetic location: 22q12.3.
Variant type: single nucleotide variant.
Coding change: c.688A>G on transcript NM_000878.5 (MANE Select); coding-DNA position 688, A replaced by G.
Protein change: p.Arg230Gly; replaces arginine 230 with glycine.
Molecular consequence: missense variant.
Genome position (GRCh38, 1-based): chr22:37,136,243, T>C on the plus strand (A>G on the coding strand, the complement: IL2RB is on the minus strand). VCF-style: chr22-37136243-T-C. GRCh37 (hg19) VCF-style: chr22-37532283-T-C.
Other names: c.688A>G, p.Arg230Gly (NM_001346222.1, NM_001346223.2); short protein forms R230G.
Identifiers: ClinVar variation 1445630 (VCV001445630.5), dbSNP rs147009331, ClinGen allele CA10216557.
Genomic context (GRCh38, chr22:37,136,243, plus strand): 5'-CCCCTCCTGCCTGAGCCCCCTCTCACCCTTGCCGCCCACCAGTACCTGCAGGCTTTGTCC[T>C]GAAGGCCAGGGGCTGGCTCCAGGGGCTCCAGGTCGTGAACTCGCCTTGCAGAGGCTTGAC-3'
Protein context (NP_000869.1, residues 220-240): WSPWSQPLAF[Arg230Gly]TKPAALGKDT

ClinVar aggregate classification (germline): Uncertain significance. Review status: criteria provided, multiple submitters, no conflicts (2 of 4 stars). 2 submissions from 2 submitters: Uncertain significance (2). Last evaluated 2024-04-25.

Allele frequency attached by ClinVar (database versions not stated): gnomAD exomes 0.00002 and 0.00003; ExAC 0.00004; gnomAD 0.00011 and 0.00013; TOPMed 0.00012; ESP Exome Variant Server 0.00023.
gnomAD v4.1: 46 of 1,611,028 alleles (0.0029%); highest among the groups gnomAD compares: African/African-American, 0.052%; no homozygotes.

Submissions (2):

Labcorp Genetics (formerly Invitae), Labcorp
Classification: Uncertain significance. Last evaluated: 2024-04-25. Review status: criteria provided, single submitter. Criteria: Invitae Variant Classification Sherloc (09022015). Collection method: clinical testing. Allele origin: germline.
Comment: This sequence change replaces arginine, which is basic and polar, with glycine, which is neutral and non-polar, at codon 230 of the IL2RB protein (p.Arg230Gly). This variant is present in population databases (rs147009331, gnomAD 0.06%). This variant has not been reported in the literature in individuals affected with IL2RB-related conditions. ClinVar contains an entry for this variant (Variation ID: 1445630). An algorithm developed to predict the effect of missense changes on protein structure and function (PolyPhen-2) suggests that this variant is likely to be disruptive. In summary, the available evidence is currently insufficient to determine the role of this variant in disease. Therefore, it has been classified as a Variant of Uncertain Significance.

Blueprint Genetics
Classification: Uncertain significance. Last evaluated: 2023-09-10. Review status: criteria provided, single submitter. Criteria: ACMG Guidelines, 2015. Collection method: clinical testing. Allele origin: germline.